The following is an entry in ClinVar:

NM_017654.4(SAMD9):c.1093G>T (p.Asp365Tyr)

Gene: SAMD9 (sterile alpha motif domain containing 9; minus strand). Cytogenetic location: 7q21.2.
Variant type: single nucleotide variant.
Coding change: c.1093G>T on transcript NM_017654.4 (MANE Select); coding-DNA position 1093, G replaced by T.
Protein change: p.Asp365Tyr; replaces aspartic acid 365 with tyrosine.
Molecular consequence: missense variant.
Genome position (GRCh38, 1-based): chr7:93,105,005, C>A on the plus strand (G>T on the coding strand, the complement: SAMD9 is on the minus strand). VCF-style: chr7-93105005-C-A. GRCh37 (hg19) VCF-style: chr7-92734318-C-A.
Other names: c.1093G>T (NM_017654.3); c.1093G>T, p.Asp365Tyr (NM_001193307.2); short protein forms D365Y.
Identifiers: ClinVar variation 2986569 (VCV002986569.6), dbSNP rs1227048825, ClinGen allele CA368202189.

ClinVar aggregate classification (germline): Uncertain significance. Review status: criteria provided, multiple submitters, no conflicts (2 of 4 stars). 4 submissions from 4 submitters: Uncertain significance (4). Last evaluated 2026-06-28.

Conditions:
SAMD9-related disorder. Also called: SAMD9-related condition.
Inborn genetic diseases. Identifiers: MedGen C0950123, MeSH D030342.

Allele frequency attached by ClinVar (database versions not stated): gnomAD exomes below 0.00001; gnomAD 0.00002; TOPMed 0.00002.
gnomAD v4.1: 7 of 1,613,568 alleles (0.00043%); highest among the groups gnomAD compares: African/African-American, 0.0067%; no homozygotes.

Submissions (4):

PreventionGenetics, part of Exact Sciences
Classification: Uncertain significance for SAMD9-related condition. Last evaluated: 2026-06-28. Review status: criteria provided, single submitter. Criteria: ACMG Guidelines, 2015. Collection method: clinical testing. Allele origin: germline.
Comment: The SAMD9 c.1093G>T variant is predicted to result in the amino acid substitution p.Asp365Tyr. To our knowledge, this variant has not been reported in the literature. This variant is reported in 0.0040% of alleles in individuals of African descent in gnomAD. At this time, the clinical significance of this variant is uncertain due to the absence of conclusive functional and genetic evidence.

Labcorp Genetics (formerly Invitae), Labcorp
Classification: Uncertain significance. Last evaluated: 2025-06-10. Review status: criteria provided, single submitter. Criteria: Invitae Variant Classification Sherloc (09022015). Collection method: clinical testing. Allele origin: germline.
Comment: This sequence change replaces aspartic acid, which is acidic and polar, with tyrosine, which is neutral and polar, at codon 365 of the SAMD9 protein (p.Asp365Tyr). This variant is present in population databases (no rsID available, gnomAD 0.004%). This variant has not been reported in the literature in individuals affected with SAMD9-related conditions. ClinVar contains an entry for this variant (Variation ID: 2986569). Invitae Evidence Modeling of protein sequence and biophysical properties (such as structural, functional, and spatial information, amino acid conservation, physicochemical variation, residue mobility, and thermodynamic stability) indicates that this missense variant is not expected to disrupt SAMD9 protein function with a negative predictive value of 95%. In summary, the available evidence is currently insufficient to determine the role of this variant in disease. Therefore, it has been classified as a Variant of Uncertain Significance.

Ambry Genetics
Classification: Uncertain significance for Inborn genetic diseases. Last evaluated: 2025-02-03. Review status: criteria provided, single submitter. Criteria: Ambry Variant Classification Scheme 2023. Collection method: clinical testing. Allele origin: germline.
Comment: The p.D365Y variant (also known as c.1093G>T), located in coding exon 1 of the SAMD9 gene, results from a G to T substitution at nucleotide position 1093. The aspartic acid at codon 365 is replaced by tyrosine, an amino acid with highly dissimilar properties. This amino acid position is conserved. In addition, this alteration is predicted to be tolerated by in silico analysis. Based on the available evidence, the clinical significance of this variant remains unclear.

GeneDx
Classification: Uncertain significance. Last evaluated: 2024-03-06. Review status: criteria provided, single submitter. Criteria: GeneDx Variant Classification Process June 2021. Collection method: clinical testing. Allele origin: germline. Affected: yes.
Comment: Not observed at significant frequency in large population cohorts (gnomAD); In silico analysis supports that this missense variant does not alter protein structure/function; Has not been previously published as pathogenic or benign to our knowledge